The following is an entry in ClinVar:

NM_000747.3(CHRNB1):c.719T>A (p.Ile240Asn)

Gene: CHRNB1 (cholinergic receptor nicotinic beta 1 subunit; plus strand). Cytogenetic location: 17p13.1.
Variant type: single nucleotide variant.
Coding change: c.719T>A on transcript NM_000747.3 (MANE Select); coding-DNA position 719, T replaced by A.
Protein change: p.Ile240Asn; replaces isoleucine 240 with asparagine.
Molecular consequence: missense variant.
Genome position (GRCh38, 1-based): chr17:7,448,687, T>A. VCF-style: chr17-7448687-T-A. GRCh37 (hg19) VCF-style: chr17-7352006-T-A.
Other names: short protein forms I240N.
Identifiers: ClinVar variation 1409756 (VCV001409756.6), dbSNP rs2150839386, ClinGen allele CA397794468.
Genomic context (GRCh38, chr17:7,448,687, plus strand): 5'-CTCCAGGCGATCCTAGGGGAGGGAGGGAAGGACAGCGCCAGGAAGTCATCTTCTACCTCA[T>A]CATCCGCCGCAAGCCTCTCTTCTACCTGGTCAACGTCATTGCCCCATGCATCCTCATCAC-3'
Protein context (NP_000738.2, residues 230-250): GQRQEVIFYL[Ile240Asn]IRRKPLFYLV

ClinVar aggregate classification (germline): Uncertain significance (1 of 4 stars; one submission).

Conditions:
Congenital myasthenic syndrome 2A. Also called: Myasthenic syndrome, congenital, 2a, slow-channel. Identifiers: Orphanet 590, MedGen C4225374, MONDO:0014581, OMIM 616313.

Submission:

Labcorp Genetics (formerly Invitae), Labcorp
Classification: Uncertain significance for Congenital myasthenic syndrome 2A. Last evaluated: 2022-03-13. Review status: criteria provided, single submitter. Criteria: Invitae Variant Classification Sherloc (09022015). Collection method: clinical testing. Allele origin: germline.
Comment: This variant is not present in population databases (gnomAD no frequency). This sequence change replaces isoleucine, which is neutral and non-polar, with asparagine, which is neutral and polar, at codon 240 of the CHRNB1 protein (p.Ile240Asn). This variant has not been reported in the literature in individuals affected with CHRNB1-related conditions. In summary, the available evidence is currently insufficient to determine the role of this variant in disease. Therefore, it has been classified as a Variant of Uncertain Significance. Advanced modeling of protein sequence and biophysical properties (such as structural, functional, and spatial information, amino acid conservation, physicochemical variation, residue mobility, and thermodynamic stability) performed at Invitae indicates that this missense variant is not expected to disrupt CHRNB1 protein function.